The following is an entry in ClinVar:

ClinVar aggregate classification (germline): Uncertain significance. Review status: criteria provided, multiple submitters, no conflicts (2 of 4 stars). 2 submissions from 2 submitters: Uncertain significance (2). Last evaluated 2022-06-05.

Conditions:
Inborn genetic diseases. Identifiers: MedGen C0950123, MeSH D030342.
Osteogenesis imperfecta type 7 (OI7). Also called: OSTEOGENESIS IMPERFECTA, TYPE IIB; Osteogenesis imperfecta type 2B; OI type 2B; Osteogenesis imperfecta, perinatal lethal autosomal recessive; OI type IIB; OI type 7. Identifiers: MedGen C1853162, MONDO:0012536, OMIM 610682.

Allele frequency attached by ClinVar (database versions not stated): gnomAD 0.00012 and 0.00013; TOPMed 0.00014; ESP Exome Variant Server 0.00023.
gnomAD v4.1: 27 of 1,614,192 alleles (0.0017%); highest among the groups gnomAD compares: African/African-American, 0.036%; no homozygotes.

Submissions (2):

Labcorp Genetics (formerly Invitae), Labcorp
Classification: Uncertain significance for Osteogenesis imperfecta type 7. Last evaluated: 2022-06-05. Review status: criteria provided, single submitter. Criteria: Invitae Variant Classification Sherloc (09022015). Collection method: clinical testing. Allele origin: germline.
Comment: This sequence change replaces leucine, which is neutral and non-polar, with valine, which is neutral and non-polar, at codon 172 of the CRTAP protein (p.Leu172Val). This variant is present in population databases (rs142090883, gnomAD 0.02%). This variant has not been reported in the literature in individuals affected with CRTAP-related conditions. ClinVar contains an entry for this variant (Variation ID: 1429223). Algorithms developed to predict the effect of missense changes on protein structure and function are either unavailable or do not agree on the potential impact of this missense change (SIFT: "Deleterious"; PolyPhen-2: "Probably Damaging"; Align-GVGD: "Class C0"). In summary, the available evidence is currently insufficient to determine the role of this variant in disease. Therefore, it has been classified as a Variant of Uncertain Significance.

Ambry Genetics
Classification: Uncertain significance for Inborn genetic diseases. Last evaluated: 2022-04-25. Review status: criteria provided, single submitter. Criteria: Ambry Variant Classification Scheme 2023. Collection method: clinical testing. Allele origin: germline.

NM_006371.5(CRTAP):c.514C>G (p.Leu172Val)

Gene: CRTAP (cartilage associated protein; plus strand). Cytogenetic location: 3p22.3.
Variant type: single nucleotide variant.
Coding change: c.514C>G on transcript NM_006371.5 (MANE Select); coding-DNA position 514, C replaced by G.
Protein change: p.Leu172Val; replaces leucine 172 with valine.
Molecular consequence: missense variant. On other transcripts: intron variant (1).
Genome position (GRCh38, 1-based): chr3:33,120,386, C>G. VCF-style: chr3-33120386-C-G. GRCh37 (hg19) VCF-style: chr3-33161878-C-G.
Other names: c.514C>G, p.Leu172Val (NM_001393363.1, NM_001393364.1); c.472-4022C>G (NM_001393365.1); c.514C>G (NM_006371.4); short protein forms L172V.
Identifiers: ClinVar variation 1429223 (VCV001429223.4), dbSNP rs142090883, ClinGen allele CA2300300.
Genomic context (GRCh38, chr3:33,120,386, plus strand): 5'-TGTTCTTTGTCCTTTTAGGCAAATAATCTCCCCAAAGCCATCGCCGCTGCTCACACCTTT[C>G]TACTGAAGCATCCTGATGACGAAATGATGAAGAGGAACATGGCATATTATAAGAGCCTGC-3'
Protein context (NP_006362.1, residues 162-182): PKAIAAAHTF[Leu172Val]LKHPDDEMMK